The following is an entry in ClinVar:

ClinVar aggregate classification (germline): Likely benign (0 of 4 stars; one submission).

Conditions:
TRAF7-related disorder. Also called: TRAF7-related condition.

Allele frequency attached by ClinVar (database versions not stated): ESP Exome Variant Server 0.00008; gnomAD 0.00011; TOPMed 0.00012; ExAC 0.00027.
gnomAD v4.1: 163 of 1,610,436 alleles (0.01%); highest among the groups gnomAD compares: Admixed American, 0.11%; no homozygotes.

Submission:

PreventionGenetics, part of Exact Sciences
Classification: Likely benign for TRAF7-related condition. Last evaluated: 2019-06-18. Review status: no assertion criteria provided. Collection method: clinical testing. Allele origin: germline.
Comment: This variant is classified as likely benign based on ACMG/AMP sequence variant interpretation guidelines (Richards et al. 2015 PMID: 25741868, with internal and published modifications).

NM_032271.3(TRAF7):c.1089C>T (p.Asp363=)

Gene: TRAF7 (TNF receptor associated factor 7; plus strand). Cytogenetic location: 16p13.3.
Variant type: single nucleotide variant.
Coding change: c.1089C>T on transcript NM_032271.3 (MANE Select); coding-DNA position 1089, C replaced by T.
Protein change: p.Asp363=; no amino-acid change (aspartic acid 363 retained).
Molecular consequence: synonymous variant.
Genome position (GRCh38, 1-based): chr16:2,173,790, C>T. VCF-style: chr16-2173790-C-T. GRCh37 (hg19) VCF-style: chr16-2223791-C-T.
Identifiers: ClinVar variation 3033290 (VCV003033290.2), dbSNP rs368139413, ClinGen allele CA7834834.
Genomic context (GRCh38, chr16:2,173,790, plus strand): 5'-GCACTGGCCCCACAGCAGCCCTGCCCACCTGCCCTCTGCCCTGCCCTTGGCCCTGCAGGA[C>T]GAGCTGTCCCACATCAACGCGCGGCTGAACATGGGCATCCTAGGCTGTGAGTATGGACCC-3'
Protein context (NP_115647.2, residues 353-373): EFRRDASMLN[Asp363=]ELSHINARLN